The following is an entry in ClinVar:

ClinVar aggregate classification (germline): Uncertain significance (1 of 4 stars; one submission).

Conditions:
Cardiovascular phenotype. Identifiers: MedGen CN230736.

Allele frequency attached by ClinVar (database versions not stated): ExAC 0.00001; 1000 Genomes Project 30x 0.00016; 1000 Genomes Project 0.00020.

Submission:

Ambry Genetics
Classification: Uncertain significance for Cardiovascular phenotype. Last evaluated: 2023-01-20. Review status: criteria provided, single submitter. Criteria: Ambry Variant Classification Scheme 2023. Collection method: clinical testing. Allele origin: germline.
Comment: The p.Q487R variant (also known as c.1460A>G), located in coding exon 8 of the CYP27A1 gene, results from an A to G substitution at nucleotide position 1460. The glutamine at codon 487 is replaced by arginine, an amino acid with highly similar properties. This amino acid position is conserved. In addition, this alteration is predicted to be tolerated by in silico analysis. Since supporting evidence is limited at this time, the clinical significance of this alteration remains unclear.

NM_000784.4(CYP27A1):c.1460A>G (p.Gln487Arg)

Gene: CYP27A1 (cytochrome P450 family 27 subfamily A member 1; plus strand). Cytogenetic location: 2q35.
Variant type: single nucleotide variant.
Coding change: c.1460A>G on transcript NM_000784.4 (MANE Select); coding-DNA position 1460, A replaced by G.
Protein change: p.Gln487Arg; replaces glutamine 487 with arginine.
Molecular consequence: missense variant.
Genome position (GRCh38, 1-based): chr2:218,814,741, A>G. VCF-style: chr2-218814741-A-G. GRCh37 (hg19) VCF-style: chr2-219679464-A-G.
Other names: short protein forms Q487R.
Identifiers: ClinVar variation 2446924 (VCV002446924.2), dbSNP rs200106364, ClinGen allele CA2112899.